The following is an entry in ClinVar:

ClinVar aggregate classification (germline): Pathogenic. Review status: criteria provided, multiple submitters, no conflicts (2 of 4 stars). 8 submissions from 8 submitters: Pathogenic (7). 1 of the submissions does not count toward it. Last evaluated 2025-02-13.

Conditions:
CHD7-related disorder. Also called: CHD7-related condition.
CHARGE syndrome (CHARGE). Also called: Hittner Hirsch Kreh syndrome; CHARGE ASSOCIATION--COLOBOMA, HEART ANOMALY, CHOANAL ATRESIA, RETARDATION, GENITAL AND EAR ANOMALIES; Coloboma, heart anomaly, choanal atresia, retardation, genital and ear anomalies; CHARGE association; Hall-Hittner syndrome. Identifiers: Orphanet 138, MedGen C0265354, MONDO:0008965.

Submissions (8):

Labcorp Genetics (formerly Invitae), Labcorp
Classification: Pathogenic for CHARGE syndrome. Last evaluated: 2025-02-13. Review status: criteria provided, single submitter. Criteria: Invitae Variant Classification Sherloc (09022015). Collection method: clinical testing. Allele origin: germline.
Comment: This sequence change creates a premature translational stop signal (p.Arg1810*) in the CHD7 gene. It is expected to result in an absent or disrupted protein product. Loss-of-function variants in CHD7 are known to be pathogenic (PMID: 22461308, 25077900). This variant is not present in population databases (gnomAD no frequency). This premature translational stop signal has been observed in individual(s) with CHARGE syndrome (PMID: 16400610, 18445044, 26538304). In at least one individual the variant was observed to be de novo. ClinVar contains an entry for this variant (Variation ID: 459555). For these reasons, this variant has been classified as Pathogenic.

GeneDx
Classification: Pathogenic. Last evaluated: 2023-07-27. Review status: criteria provided, single submitter. Criteria: GeneDx Variant Classification Process June 2021. Collection method: clinical testing. Allele origin: germline. Affected: yes.
Comment: Nonsense variant predicted to result in protein truncation or nonsense mediated decay in a gene for which loss-of-function is a known mechanism of disease; Not observed at significant frequency in large population cohorts (gnomAD); This variant is associated with the following publications: (PMID: 26538304, 16400610, 33100332, 18445044, 35938004, 29261186, 25525159)

Provincial Medical Genetics Program of British Columbia, University of British Columbia
Classification: Pathogenic for CHD7-related CHARGE syndrome. Last evaluated: 2022-01-01. Review status: criteria provided, single submitter. Criteria: ACMG Guidelines, 2015. Collection method: clinical testing. Allele origin: de novo. Affected: yes.

Blueprint Genetics
Classification: Pathogenic for CHD7-related disorders. Last evaluated: 2020-03-04. Review status: criteria provided, single submitter. Criteria: ACMG Guidelines, 2015. Collection method: clinical testing. Allele origin: germline. Affected: yes. Observed: 1 variant allele.

3billion
Classification: Pathogenic for CHD7-related CHARGE syndrome. Review status: criteria provided, single submitter. Criteria: ACMG Guidelines, 2015. Collection method: clinical testing. Allele origin: unknown. Affected: yes. Observed: 1 heterozygote.
Comment: The variant is not observed in the gnomAD v2.1.1 dataset. It is a stop-gained (nonsense) variant predicted to result in a loss or disruption of normal protein function through nonsense-mediated decay (NMD) or protein truncation. Multiple pathogenic variants are reported downstream of the variant. The variant has been reported at least twice as pathogenic with clinical assertions and evidence for the classification (ClinVar ID: VCV000459555/PMID: 16400610). This variant is classified as pathogenic according to the recommendation of ACMG/AMP guideline.

Juno Genomics, Hangzhou Juno Genomics, Inc
Classification: Pathogenic for CHD7-related CHARGE syndrome. Review status: criteria provided, single submitter. Criteria: ACMG Guidelines, 2015. Collection method: clinical testing. Allele origin: germline. Affected: yes.
Comment: Absent from controls (or at extremely low frequency if recessive) in Genome Aggregation Database, Exome Sequencing Project, 1000 Genomes Project, or Exome Aggregation Consortium.;Null variant in a gene where loss of function (LOF) is a known mechanism of disease.;Assumed de novo, but without confirmation of paternity and maternity.;The prevalence of the variant in affected individuals is significantly increased compared to the prevalence in controls.;Patient's phenotype or family history is highly specific for a disease with a single genetic etiology.

Rady Children's Institute for Genomic Medicine, Rady Children's Hospital San Diego
Classification: Pathogenic for CHD7-related CHARGE syndrome. Review status: criteria provided, single submitter. Criteria: ACMG Guidelines, 2015. Collection method: clinical testing. Allele origin: germline. Affected: yes.
Comment: This nonsense variant found in exon 26 of 38 is predicted to result in loss of normal protein function through either protein truncation or nonsense-mediated mRNA decay (NMD). This variant has been previously reported in patients with CHARGE syndrome, as a de novo change or of unknown inheritance (PMID: 16400610, 26538304, 18445044). It is absent from the gnomAD population database and thus is presumed to be rare. Based on the available evidence, the c.5428C>T (p.Arg1810Ter) variant is classified as Pathogenic.

PreventionGenetics, part of Exact Sciences
Classification: Pathogenic for CHD7-related condition. Last evaluated: 2024-07-19. Review status: no assertion criteria provided. Collection method: clinical testing. Allele origin: germline. Not counted in ClinVar's aggregate classification.
Comment: The CHD7 c.5428C>T variant is predicted to result in premature protein termination (p.Arg1810*). This variant has been reported as de novo in multiple individuals with CHD7-related disorders (Lalani et al. 2006. PubMed ID: 16400610; Wincent et al 2008. PubMed ID: 18445044; Sohn et al. 2016. PubMed ID: 26538304; Boissel et al. 2017. PubMed ID: 29261186). This variant has not been reported in a large population database, indicating this variant is rare. Nonsense variants in CHD7 are expected to be pathogenic. This variant is interpreted as pathogenic.

Literature cited by the submitters: PubMed 22461308 (cited by Labcorp Genetics (formerly Invitae), Labcorp); PubMed 25077900 (cited by Labcorp Genetics (formerly Invitae), Labcorp); PubMed 16400610 (cited by Labcorp Genetics (formerly Invitae), Labcorp and 3billion); PubMed 18445044 (cited by Labcorp Genetics (formerly Invitae), Labcorp); PubMed 26538304 (cited by Labcorp Genetics (formerly Invitae), Labcorp).

NM_017780.4(CHD7):c.5428C>T (p.Arg1810Ter)

Gene: CHD7 (chromodomain helicase DNA binding protein 7; plus strand). Cytogenetic location: 8q12.2.
Variant type: single nucleotide variant.
Coding change: c.5428C>T on transcript NM_017780.4 (MANE Select); coding-DNA position 5428, C replaced by T.
Protein change: p.Arg1810Ter; replaces arginine 1810 with a stop codon.
Molecular consequence: nonsense. On other transcripts: intron variant (1).
Genome position (GRCh38, 1-based): chr8:60,850,516, C>T. VCF-style: chr8-60850516-C-T. GRCh37 (hg19) VCF-style: chr8-61763075-C-T.
Other names: c.5428C>T (LRG_176t1); c.1717-11713C>T (NM_001316690.1); short protein forms R1810*.
Identifiers: ClinVar variation 459555 (VCV000459555.20), dbSNP rs1554603552, ClinGen allele CA371321536.